The following is an entry in ClinVar:

ClinVar aggregate classification (germline): Uncertain significance (1 of 4 stars; one submission).

Conditions:
Arrhythmogenic right ventricular dysplasia 12. Also called: ARRHYTHMOGENIC RIGHT VENTRICULAR DYSPLASIA, FAMILIAL, 12. Identifiers: MedGen C1969081, MONDO:0012684, OMIM 611528.
Naxos disease (NXD). Also called: PALMOPLANTAR KERATODERMA WITH ARRHYTHMOGENIC RIGHT VENTRICULAR CARDIOMYOPATHY AND WOOLLY HAIR; WOOLLY HAIR, PALMOPLANTAR KERATODERMA, AND CARDIAC ABNORMALITIES; CARDIOMYOPATHY, ARRHYTHMOGENIC RIGHT VENTRICULAR, WITH SKIN, HAIR, AND NAIL ABNORMALITIES; KERATOSIS PALMOPLANTARIS WITH ARRHYTHMOGENIC CARDIOMYOPATHY; MAL DE NAXOS. Identifiers: Orphanet 34217, MedGen C1832600, MONDO:0011017, OMIM 601214.

Submission:

Labcorp Genetics (formerly Invitae), Labcorp
Classification: Uncertain significance for Arrhythmogenic right ventricular dysplasia 12; Naxos disease. Last evaluated: 2021-02-18. Review status: criteria provided, single submitter. Criteria: Invitae Variant Classification Sherloc (09022015). Collection method: clinical testing. Allele origin: germline.
Comment: In summary, the available evidence is currently insufficient to determine the role of this variant in disease. Therefore, it has been classified as a Variant of Uncertain Significance. Algorithms developed to predict the effect of missense changes on protein structure and function output the following: SIFT: "Deleterious"; PolyPhen-2: "Benign"; Align-GVGD: "Class C0". The threonine amino acid residue is found in multiple mammalian species, suggesting that this missense change does not adversely affect protein function. These predictions have not been confirmed by published functional studies and their clinical significance is uncertain. This variant has not been reported in the literature in individuals with JUP-related conditions. This variant is not present in population databases (ExAC no frequency). This sequence change replaces proline with threonine at codon 713 of the JUP protein (p.Pro713Thr). The proline residue is moderately conserved and there is a small physicochemical difference between proline and threonine.

NM_002230.4(JUP):c.2137C>A (p.Pro713Thr)

Gene: JUP (junction plakoglobin; minus strand). Cytogenetic location: 17q21.2.
Variant type: single nucleotide variant.
Coding change: c.2137C>A on transcript NM_002230.4 (MANE Select); coding-DNA position 2137, C replaced by A.
Protein change: p.Pro713Thr; replaces proline 713 with threonine.
Molecular consequence: missense variant.
Genome position (GRCh38, 1-based): chr17:41,755,845, G>T on the plus strand (C>A on the coding strand, the complement: JUP is on the minus strand). VCF-style: chr17-41755845-G-T. GRCh37 (hg19) VCF-style: chr17-39912097-G-T.
Other names: c.2137C>A, p.Pro713Thr (NM_001352773.2, NM_001352774.2, NM_001352775.2 and 3 more transcripts); short protein forms P713T.
Identifiers: ClinVar variation 1508216 (VCV001508216.8), dbSNP rs1555597496, ClinGen allele CA399490620.